The following is an entry in ClinVar:

NM_002968.3(SALL1):c.388C>G (p.Pro130Ala)

Gene: SALL1 (spalt like transcription factor 1; minus strand). Cytogenetic location: 16q12.1.
Variant type: single nucleotide variant.
Coding change: c.388C>G on transcript NM_002968.3 (MANE Select); coding-DNA position 388, C replaced by G.
Protein change: p.Pro130Ala; replaces proline 130 with alanine.
Molecular consequence: missense variant.
Genome position (GRCh38, 1-based): chr16:51,141,834, G>C on the plus strand (C>G on the coding strand, the complement: SALL1 is on the minus strand). VCF-style: chr16-51141834-G-C. GRCh37 (hg19) VCF-style: chr16-51175745-G-C.
Other names: c.97C>G, p.Pro33Ala (NM_001127892.2); short protein forms P130A, P33A.
Identifiers: ClinVar variation 2633739 (VCV002633739.1), dbSNP rs2143451911, ClinGen allele CA395892243.

ClinVar aggregate classification (germline): Uncertain significance (1 of 4 stars; one submission).

Conditions:
SALL1-related disorder. Also called: SALL1-related condition.

Allele frequency attached by ClinVar (database versions not stated): gnomAD 0.00001.

Submission:

PreventionGenetics, part of Exact Sciences
Classification: Uncertain significance for SALL1-related condition. Last evaluated: 2023-03-06. Review status: criteria provided, single submitter. Criteria: ACMG Guidelines, 2015. Collection method: clinical testing. Allele origin: germline.
Comment: The SALL1 c.388C>G variant is predicted to result in the amino acid substitution p.Pro130Ala. To our knowledge, this variant has not been reported in the literature or in a large population database, indicating this variant is rare. At this time, the clinical significance of this variant is uncertain due to the absence of conclusive functional and genetic evidence.